The following is an entry in ClinVar:

NM_001457.4(FLNB):c.1303G>A (p.Asp435Asn)

Gene: FLNB (filamin B; plus strand). Cytogenetic location: 3p14.3.
Variant type: single nucleotide variant.
Coding change: c.1303G>A on transcript NM_001457.4 (MANE Select); coding-DNA position 1303, G replaced by A.
Protein change: p.Asp435Asn; replaces aspartic acid 435 with asparagine.
Molecular consequence: missense variant.
Genome position (GRCh38, 1-based): chr3:58,098,866, G>A. VCF-style: chr3-58098866-G-A. GRCh37 (hg19) VCF-style: chr3-58084593-G-A.
Other names: c.1303G>A, p.Asp435Asn (NM_001164317.2, NM_001164318.2, NM_001164319.2); c.1303G>A (NM_001457.3); short protein forms D435N.
Identifiers: ClinVar variation 593878 (VCV000593878.11), dbSNP rs781162510, ClinGen allele CA2467761.

ClinVar aggregate classification (germline): Conflicting classifications of pathogenicity. Review status: criteria provided, conflicting classifications (1 of 4 stars). 4 submissions from 4 submitters: Uncertain significance (2); Benign (1); Likely benign (1). Last evaluated 2025-11-16.

Conditions:
Inborn genetic diseases. Identifiers: MedGen C0950123, MeSH D030342.

Allele frequency attached by ClinVar (database versions not stated): gnomAD 0.00004 and 0.00005; TOPMed 0.00004; gnomAD exomes 0.00006; ExAC 0.00007.

Submissions (4):

Labcorp Genetics (formerly Invitae), Labcorp
Classification: Benign. Last evaluated: 2025-11-16. Review status: criteria provided, single submitter. Criteria: Invitae Variant Classification Sherloc (09022015). Collection method: clinical testing. Allele origin: germline.

GeneDx
Classification: Uncertain significance. Last evaluated: 2025-05-13. Review status: criteria provided, single submitter. Criteria: GeneDx Variant Classification Process June 2021. Collection method: clinical testing. Allele origin: germline.
Comment: Identified in a cohort of individuals with clubfoot undergoing whole exome sequencing, however additional clinical information and familial segregation data were not included (PMID: 34491919); In silico analysis suggests that this missense variant does not alter protein structure/function; This variant is associated with the following publications: (PMID: 34491919)

Ambry Genetics
Classification: Likely benign for Inborn genetic diseases. Last evaluated: 2022-06-09. Review status: criteria provided, single submitter. Criteria: Ambry Variant Classification Scheme 2023. Collection method: clinical testing. Allele origin: germline.

Eurofins Ntd Llc (ga)
Classification: Uncertain significance. Last evaluated: 2017-09-20. Review status: criteria provided, single submitter. Criteria: EGL Classification Definitions 2015. Collection method: clinical testing. Allele origin: germline. Observed: 1 variant allele, 1 heterozygote.